The following is an entry in ClinVar:

ClinVar aggregate classification (germline): Uncertain significance (1 of 4 stars; one submission).

gnomAD v4.1: 1 of 1,614,132 alleles (0.000062%); highest among the groups gnomAD compares: Non-Finnish European, 0.000085%; no homozygotes.

Submission:

GeneDx
Classification: Uncertain significance. Last evaluated: 2026-03-18. Review status: criteria provided, single submitter. Criteria: GeneDx Variant Classification Process June 2021. Collection method: clinical testing. Allele origin: germline.
Comment: Not observed at significant frequency in large population cohorts (gnomAD); In silico analysis supports that this missense variant has a deleterious effect on protein structure/function; Has not been previously published as pathogenic or benign to our knowledge

NM_001375524.1(TRRAP):c.11160T>G (p.Asn3720Lys)

Gene: TRRAP (transformation/transcription domain associated protein; plus strand). Cytogenetic location: 7q22.1.
Variant type: single nucleotide variant.
Coding change: c.11160T>G on transcript NM_001375524.1 (MANE Select); coding-DNA position 11160, T replaced by G.
Protein change: p.Asn3720Lys; replaces asparagine 3720 with lysine.
Molecular consequence: missense variant.
Genome position (GRCh38, 1-based): chr7:99,011,358, T>G. VCF-style: chr7-99011358-T-G. GRCh37 (hg19) VCF-style: chr7-98608981-T-G.
Other names: c.11118T>G, p.Asn3706Lys (NM_001244580.2); c.11031T>G, p.Asn3677Lys (NM_003496.4); short protein forms N3677K, N3720K, N3706K.
Identifiers: ClinVar variation 5009379 (VCV005009379.1).